The following is an entry in ClinVar:

NM_005570.4(LMAN1):c.957G>A (p.Ala319=)

Gene: LMAN1 (lectin, mannose binding 1; minus strand). Cytogenetic location: 18q21.32.
Variant type: single nucleotide variant.
Coding change: c.957G>A on transcript NM_005570.4 (MANE Select); coding-DNA position 957, G replaced by A.
Protein change: p.Ala319=; no amino-acid change (alanine 319 retained).
Molecular consequence: synonymous variant.
Genome position (GRCh38, 1-based): chr18:59,338,952, C>T on the plus strand (G>A on the coding strand, the complement: LMAN1 is on the minus strand). VCF-style: chr18-59338952-C-T. GRCh37 (hg19) VCF-style: chr18-57006184-C-T.
Other names: NC_000018.9:g.57006184C>T; p.Ala319=.
Identifiers: ClinVar variation 891544 (VCV000891544.8), dbSNP rs61733371, ClinGen allele CA8979743.

ClinVar aggregate classification (germline): Benign. Review status: criteria provided, multiple submitters, no conflicts (2 of 4 stars). 4 submissions from 4 submitters: Benign (4). Last evaluated 2025-12-16.

Conditions:
Factor V and factor VIII, combined deficiency of, type 1. Also called: FMFD I; Combined factor V and VIII deficiency; FAMILIAL MULTIPLE COAGULATION FACTOR DEFICIENCY I; MULTIPLE COAGULATION FACTOR DEFICIENCY I. Identifiers: Orphanet 35909, MedGen C4551981, MONDO:0009206, OMIM 227300.

Allele frequency attached by ClinVar (database versions not stated): gnomAD exomes 0.00087 and 0.00216; ExAC 0.00251; 1000 Genomes Project 0.00499; 1000 Genomes Project 30x 0.00562; gnomAD 0.00799 and 0.00861; ESP Exome Variant Server 0.00830; TOPMed 0.00900.
gnomAD v4.1: 2,531 of 1,609,736 alleles (0.16%); highest among the groups gnomAD compares: African/African-American, 2.7%; 41 homozygotes.

Submissions (10):

Labcorp Genetics (formerly Invitae), Labcorp
Classification: Benign. Last evaluated: 2025-12-16. Review status: criteria provided, single submitter. Criteria: Invitae Variant Classification Sherloc (09022015). Collection method: clinical testing. Allele origin: germline.

Mayo Clinic Laboratories, Mayo Clinic
Classification: Benign. Last evaluated: 2025-07-17. Review status: criteria provided, single submitter. Criteria: ACMG Guidelines, 2015. Collection method: clinical testing. Allele origin: germline. Observed: 1 variant allele.
Comment: BS1, BS2, BP4

Illumina Laboratory Services, Illumina
Classification: Benign for Factor V and factor VIII, combined deficiency of, type 1. Last evaluated: 2018-01-12. Review status: criteria provided, single submitter. Criteria: ICSL Variant Classification Criteria 13 December 2019. Collection method: clinical testing. Allele origin: germline.
Comment: This variant was observed in the ICSL laboratory as part of a predisposition screen in an ostensibly healthy population. It had not been previously curated by ICSL or reported in the Human Gene Mutation Database (HGMD: prior to June 1st, 2018), and was therefore a candidate for classification through an automated scoring system. Utilizing variant allele frequency, disease prevalence and penetrance estimates, and inheritance mode, an automated score was calculated to assess if this variant is too frequent to cause the disease. Based on the score and internal cut-off values, a variant classified as benign is not then subjected to further curation. The score for this variant resulted in a classification of benign for this disease.

Breakthrough Genomics
Classification: Benign. Review status: criteria provided, single submitter. Criteria: ACMG Guidelines, 2015. Collection method: not provided. Allele origin: germline. Inheritance: Autosomal recessive inheritance. Affected: yes.

Dr. Peter K. Rogan Lab, Western University
No classification provided (evidence only). Condition: Lung cancer. Review status: no classification provided. Collection method: in vitro. Allele origin: not applicable. Functional consequence: retained intron. Not counted in ClinVar's aggregate classification.

Dr. Peter K. Rogan Lab, Western University
No classification provided (evidence only). Condition: Uterine corpus endometrial carcinoma. Review status: no classification provided. Collection method: in vitro. Allele origin: not applicable. Functional consequence: retained intron. Not counted in ClinVar's aggregate classification.

Dr. Peter K. Rogan Lab, Western University
No classification provided (evidence only). Condition: Cervical cancer. Review status: no classification provided. Collection method: in vitro. Allele origin: not applicable. Functional consequence: retained intron. Not counted in ClinVar's aggregate classification.

Dr. Peter K. Rogan Lab, Western University
No classification provided (evidence only). Condition: Sarcoma. Review status: no classification provided. Collection method: in vitro. Allele origin: not applicable. Functional consequence: retained intron. Not counted in ClinVar's aggregate classification.

Dr. Peter K. Rogan Lab, Western University
No classification provided (evidence only). Condition: Ovarian serous cystadenocarcinoma. Review status: no classification provided. Collection method: in vitro. Allele origin: not applicable. Functional consequence: retained intron. Not counted in ClinVar's aggregate classification.

Dr. Peter K. Rogan Lab, Western University
No classification provided (evidence only). Condition: Ovarian serous cystadenocarcinoma. Review status: no classification provided. Collection method: in vitro. Allele origin: not applicable. Functional consequence: retained intron. Not counted in ClinVar's aggregate classification.